The following is an entry in ClinVar:

ClinVar aggregate classification (germline): Benign/Likely benign. Review status: criteria provided, multiple submitters, no conflicts (2 of 4 stars). 5 submissions from 5 submitters: Benign (1); Likely benign (4). Last evaluated 2025-10-03.

Conditions:
Primary dilated cardiomyopathy (DCM). Also called: Dilated Cardiomyopathy. Identifiers: Orphanet 217604, MedGen C0007193, MeSH D002311, MONDO:0005021, HP:0001644. Inheritance: Various modes of inheritance.

Allele frequency attached by ClinVar (database versions not stated): TOPMed 0.00011; gnomAD 0.00013 and 0.00014; gnomAD exomes 0.00015 and 0.00020; ExAC 0.00017.
gnomAD v4.1: 308 of 1,610,428 alleles (0.019%); highest among the groups gnomAD compares: Middle Eastern, 0.033%; 1 homozygote.

Submissions (5):

Labcorp Genetics (formerly Invitae), Labcorp
Classification: Likely benign for Primary dilated cardiomyopathy. Last evaluated: 2025-10-03. Review status: criteria provided, single submitter. Criteria: Invitae Variant Classification Sherloc (09022015). Collection method: clinical testing. Allele origin: germline.

Women's Health and Genetics/Laboratory Corporation of America, LabCorp
Classification: Benign. Last evaluated: 2024-11-21. Review status: criteria provided, single submitter. Criteria: LabCorp Variant Classification Summary - May 2015. Collection method: clinical testing. Allele origin: germline.

Ambry Genetics
Classification: Likely benign. Last evaluated: 2022-02-17. Review status: criteria provided, single submitter. Criteria: Ambry Variant Classification Scheme 2023. Collection method: clinical testing. Allele origin: germline.

GeneDx
Classification: Likely benign. Last evaluated: 2019-03-11. Review status: criteria provided, single submitter. Criteria: GeneDx Variant Classification Process June 2021. Collection method: clinical testing. Allele origin: germline. Affected: yes.

Laboratory for Molecular Medicine, Mass General Brigham Personalized Medicine
Classification: Likely benign. Last evaluated: 2013-08-11. Review status: criteria provided, single submitter. Criteria: LMM Criteria. Collection method: clinical testing. Allele origin: germline. Observed: 1 variant allele.
Comment: Ile80Ile in exon 3 of NEBL: This variant is not expected to have clinical signif icance because it does not alter an amino acid residue and is not located within the splice consensus sequence. Ile80Ile in exon 3 of NEBL (allele frequency = n/a)

NM_006393.3(NEBL):c.240C>T (p.Ile80=)

Gene: NEBL (nebulette; minus strand). Cytogenetic location: 10p12.31.
Variant type: single nucleotide variant.
Coding change: c.240C>T on transcript NM_006393.3 (MANE Select); coding-DNA position 240, C replaced by T.
Protein change: p.Ile80=; no amino-acid change (isoleucine 80 retained).
Molecular consequence: synonymous variant. On other transcripts: intron variant (9).
Genome position (GRCh38, 1-based): chr10:20,889,863, G>A on the plus strand (C>T on the coding strand, the complement: NEBL is on the minus strand). VCF-style: chr10-20889863-G-A. GRCh37 (hg19) VCF-style: chr10-21178792-G-A.
Other names: c.249+71809C>T (NM_001377326.1, NM_001377327.1, NM_001377328.1); c.357+71809C>T (NM_213569.2, NM_001173484.2, NM_001377322.1); c.300+71809C>T (NM_001377324.1); c.291+71809C>T (NM_001377325.1); c.309+71809C>T (NM_001377323.1).
Identifiers: ClinVar variation 164768 (VCV000164768.18), dbSNP rs727503337, ClinGen allele CA177458.